The following is an entry in ClinVar:

NM_001458.5(FLNC):c.4109G>A (p.Arg1370Gln)

Gene: FLNC (filamin C; plus strand). Cytogenetic location: 7q32.1.
Variant type: single nucleotide variant.
Coding change: c.4109G>A on transcript NM_001458.5 (MANE Select); coding-DNA position 4109, G replaced by A.
Protein change: p.Arg1370Gln; replaces arginine 1370 with glutamine.
Molecular consequence: missense variant.
Genome position (GRCh38, 1-based): chr7:128,846,445, G>A. VCF-style: chr7-128846445-G-A. GRCh37 (hg19) VCF-style: chr7-128486499-G-A.
Other names: c.4109G>A, p.Arg1370Gln (NM_001127487.2); short protein forms R1370Q.
Identifiers: ClinVar variation 636671 (VCV000636671.16), dbSNP rs761881020, ClinGen allele CA4475238.
Genomic context (GRCh38, chr7:128,846,445, plus strand): 5'-CCACCCGCGTCCGAGCCTTCGGGCCAGGCCTGGAGGGTGGCTTGGTCAACAAGGCCAACC[G>A]ATTCACTGTGGAGACCAGGTATCCTCCCCCTTTGCTAGCCTAAATCTGTGACCACCCTTT-3'
Protein context (NP_001449.3, residues 1360-1380): LEGGLVNKAN[Arg1370Gln]FTVETRGAGT

ClinVar aggregate classification (germline): Conflicting classifications of pathogenicity. Review status: criteria provided, conflicting classifications (1 of 4 stars). 4 submissions from 4 submitters: Uncertain significance (3); Likely benign (1). Last evaluated 2025-09-28.

Conditions:
Myofibrillar myopathy 5. Also called: Filaminopathy (type); FILAMINOPATHY, AUTOSOMAL DOMINANT. Identifiers: Orphanet 171445, MedGen C1836050, MONDO:0012289, OMIM 609524.
Hypertrophic cardiomyopathy 26. Also called: Cardiomyopathy, familial hypertrophic, 26. Identifiers: Orphanet 75249, MedGen C4310749, MONDO:0014883, OMIM 617047.
Distal myopathy with posterior leg and anterior hand involvement. Also called: WILLIAMS DISTAL MYOPATHY. Identifiers: Orphanet 63273, MedGen C3279722, MONDO:0013550, OMIM 614065.
Cardiovascular phenotype. Identifiers: MedGen CN230736.

Allele frequency attached by ClinVar (database versions not stated): TOPMed below 0.00001; gnomAD 0.00001; gnomAD exomes 0.00001; ExAC 0.00002.
gnomAD v4.1: 14 of 1,602,688 alleles (0.00087%); highest among the groups gnomAD compares: Middle Eastern, 0.016%; no homozygotes.

Submissions (4):

Labcorp Genetics (formerly Invitae), Labcorp
Classification: Uncertain significance for Distal myopathy with posterior leg and anterior hand involvement; Myofibrillar myopathy 5; Hypertrophic cardiomyopathy 26. Last evaluated: 2025-09-28. Review status: criteria provided, single submitter. Criteria: Invitae Variant Classification Sherloc (09022015). Collection method: clinical testing. Allele origin: germline.
Comment: This sequence change replaces arginine, which is basic and polar, with glutamine, which is neutral and polar, at codon 1370 of the FLNC protein (p.Arg1370Gln). This variant is present in population databases (rs761881020, gnomAD 0.002%). This variant has not been reported in the literature in individuals affected with FLNC-related conditions. ClinVar contains an entry for this variant (Variation ID: 636671). Invitae Evidence Modeling of protein sequence and biophysical properties (such as structural, functional, and spatial information, amino acid conservation, physicochemical variation, residue mobility, and thermodynamic stability) has been performed for this missense variant. However, the output from this modeling did not meet the statistical confidence thresholds required to predict the impact of this variant on FLNC protein function. In summary, the available evidence is currently insufficient to determine the role of this variant in disease. Therefore, it has been classified as a Variant of Uncertain Significance.

Ambry Genetics
Classification: Uncertain significance for Cardiovascular phenotype. Last evaluated: 2024-07-31. Review status: criteria provided, single submitter. Criteria: Ambry Variant Classification Scheme 2023. Collection method: clinical testing. Allele origin: germline.
Comment: The p.R1370Q variant (also known as c.4109G>A), located in coding exon 23 of the FLNC gene, results from a G to A substitution at nucleotide position 4109. The arginine at codon 1370 is replaced by glutamine, an amino acid with highly similar properties. This alteration has been reported in a frontotemporal dementia cohort (Janssens J et al. Acta Neuropathol Commun, 2015 Nov;3:68). This amino acid position is not well conserved in available vertebrate species. In addition, this alteration is predicted to be tolerated by in silico analysis. Based on the available evidence, the clinical significance of this variant remains unclear.

Blueprint Genetics
Classification: Uncertain significance. Last evaluated: 2022-11-09. Review status: criteria provided, single submitter. Criteria: ACMG Guidelines, 2015. Collection method: clinical testing. Allele origin: germline.

GeneDx
Classification: Likely benign. Last evaluated: 2020-02-07. Review status: criteria provided, single submitter. Criteria: GeneDx Variant Classification Process June 2021. Collection method: clinical testing. Allele origin: germline. Affected: yes.
Comment: See Variant Classification Assertion Criteria.

Literature cited by the submitters: PubMed 26555887 (cited by Ambry Genetics).